The following is an entry in ClinVar:

NM_004268.5(MED17):c.1144-3T>A

Gene: MED17 (mediator complex subunit 17; plus strand). Cytogenetic location: 11q21.
Variant type: single nucleotide variant.
Coding change: c.1144-3T>A on transcript NM_004268.5 (MANE Select); 3 bases into the intron before coding-DNA position 1144, T replaced by A.
Molecular consequence: intron variant.
Genome position (GRCh38, 1-based): chr11:93,797,532, T>A. VCF-style: chr11-93797532-T-A. GRCh37 (hg19) VCF-style: chr11-93530698-T-A.
Identifiers: ClinVar variation 2191360 (VCV002191360.1), dbSNP rs756231349, ClinGen allele CA6232551.

ClinVar aggregate classification (germline): Uncertain significance (1 of 4 stars; one submission).

Allele frequency attached by ClinVar (database versions not stated): gnomAD exomes below 0.00001; TOPMed below 0.00001; ExAC 0.00001.
gnomAD v4.1: 1 of 1,613,514 alleles (0.000062%); highest among the groups gnomAD compares: Admixed American, 0.0017%; no homozygotes.

Submission:

Labcorp Genetics (formerly Invitae), Labcorp
Classification: Uncertain significance. Last evaluated: 2022-07-15. Review status: criteria provided, single submitter. Criteria: Invitae Variant Classification Sherloc (09022015). Collection method: clinical testing. Allele origin: germline.
Comment: This sequence change falls in intron 7 of the MED17 gene. It does not directly change the encoded amino acid sequence of the MED17 protein. It affects a nucleotide within the consensus splice site. This variant is present in population databases (rs756231349, gnomAD 0.003%). This variant has not been reported in the literature in individuals affected with MED17-related conditions. Variants that disrupt the consensus splice site are a relatively common cause of aberrant splicing (PMID: 17576681, 9536098). Algorithms developed to predict the effect of sequence changes on RNA splicing suggest that this variant may disrupt the consensus splice site. In summary, the available evidence is currently insufficient to determine the role of this variant in disease. Therefore, it has been classified as a Variant of Uncertain Significance.

Literature cited by the submitters: PubMed 17576681; PubMed 9536098.